The following is an entry in ClinVar:

ClinVar aggregate classification (germline): Likely benign. Review status: criteria provided, single submitter (1 of 4 stars). 2 submissions from 2 submitters: Likely benign (1). 1 of the submissions does not count toward it. Last evaluated 2025-01-23.

Conditions:
ITPR1-related disorder. Also called: ITPR1-related condition.

Allele frequency attached by ClinVar (database versions not stated): 1000 Genomes Project 0.00020; ExAC 0.00003; gnomAD exomes 0.00004; TOPMed 0.00005; 1000 Genomes Project 30x 0.00016.
gnomAD v4.1: 64 of 1,613,626 alleles (0.004%); highest among the groups gnomAD compares: East Asian, 0.025%; no homozygotes.

Submissions (2):

Labcorp Genetics (formerly Invitae), Labcorp
Classification: Likely benign. Last evaluated: 2025-01-23. Review status: criteria provided, single submitter. Criteria: Invitae Variant Classification Sherloc (09022015). Collection method: clinical testing. Allele origin: germline.

PreventionGenetics, part of Exact Sciences
Classification: Likely benign for ITPR1-related condition. Last evaluated: 2019-09-11. Review status: no assertion criteria provided. Collection method: clinical testing. Allele origin: germline. Not counted in ClinVar's aggregate classification.
Comment: This variant is classified as likely benign based on ACMG/AMP sequence variant interpretation guidelines (Richards et al. 2015 PMID: 25741868, with internal and published modifications).

NM_001378452.1(ITPR1):c.2859C>T (p.Pro953=)

Gene: ITPR1 (inositol 1,4,5-trisphosphate receptor type 1; plus strand). Cytogenetic location: 3p26.1.
Variant type: single nucleotide variant.
Coding change: c.2859C>T on transcript NM_001378452.1 (MANE Select); coding-DNA position 2859, C replaced by T.
Protein change: p.Pro953=; no amino-acid change (proline 953 retained).
Molecular consequence: synonymous variant.
Genome position (GRCh38, 1-based): chr3:4,676,693, C>T. VCF-style: chr3-4676693-C-T. GRCh37 (hg19) VCF-style: chr3-4718377-C-T.
Other names: c.2832C>T, p.Pro944= (NM_001099952.4); c.2814C>T, p.Pro938= (NM_001168272.2); c.2787C>T, p.Pro929= (NM_002222.7); c.2787C>T (NM_002222.5).
Identifiers: ClinVar variation 2417379 (VCV002417379.9), dbSNP rs574402733, ClinGen allele CA2231538.